The following is an entry in ClinVar:

NM_000170.3(GLDC):c.2470A>T (p.Lys824Ter)

Gene: GLDC (glycine decarboxylase; minus strand). Cytogenetic location: 9p24.1.
Variant type: single nucleotide variant.
Coding change: c.2470A>T on transcript NM_000170.3 (MANE Select); coding-DNA position 2470, A replaced by T.
Protein change: p.Lys824Ter; replaces lysine 824 with a stop codon.
Molecular consequence: nonsense.
Genome position (GRCh38, 1-based): chr9:6,550,902, T>A on the plus strand (A>T on the coding strand, the complement: GLDC is on the minus strand). VCF-style: chr9-6550902-T-A. GRCh37 (hg19) VCF-style: chr9-6550902-T-A.
Other names: c.2470A>T (NM_000170.2); short protein forms K824*.
Identifiers: ClinVar variation 1073646 (VCV001073646.9), dbSNP rs1447727878, ClinGen allele CA372876592.

ClinVar aggregate classification (germline): Pathogenic/Likely pathogenic. Review status: criteria provided, multiple submitters, no conflicts (2 of 4 stars). 3 submissions from 3 submitters: Pathogenic (1); Likely pathogenic (2). Last evaluated 2024-12-05.

Conditions:
Glycine encephalopathy 1 (GCE1). Identifiers: MedGen CN376801, MONDO:0958179, OMIM 605899.
Glycine encephalopathy. Also called: Nonketotic hyperglycinemia; Non-ketotic hyperglycinemia. Identifiers: Orphanet 407, MedGen C0751748, MONDO:0011612, HP:0008288.

Submissions (3):

Natera, Inc.
Classification: Likely pathogenic for Non-ketotic hyperglycinemia. Last evaluated: 2024-12-05. Review status: criteria provided, single submitter. Criteria: Natera Variant Classification Schema (03/2026). Collection method: clinical testing. Allele origin: germline.
Comment: The c.2470A>T variant in GLDC is a nonsense variant predicted to introduce a stop codon at amino acid 824. This variant is expected to result in nonsense mediated decay, truncation, or a dysfunctional protein product. This variant is rare in the general population with a frequency below the threshold expected for the associated phenotype(s). Given the available evidence, this variant is classified as Likely Pathogenic.

Fulgent Genetics
Classification: Likely pathogenic for Glycine encephalopathy 1. Last evaluated: 2024-05-04. Review status: criteria provided, single submitter. Criteria: ACMG Guidelines, 2015. Collection method: clinical testing. Allele origin: germline.

Labcorp Genetics (formerly Invitae), Labcorp
Classification: Pathogenic for Glycine encephalopathy. Last evaluated: 2023-08-02. Review status: criteria provided, single submitter. Criteria: Invitae Variant Classification Sherloc (09022015). Collection method: clinical testing. Allele origin: germline.
Comment: This sequence change creates a premature translational stop signal (p.Lys824*) in the GLDC gene. It is expected to result in an absent or disrupted protein product. Loss-of-function variants in GLDC are known to be pathogenic (PMID: 16601880). This variant is not present in population databases (gnomAD no frequency). ClinVar contains an entry for this variant (Variation ID: 1073646). This variant has not been reported in the literature in individuals affected with GLDC-related conditions. For these reasons, this variant has been classified as Pathogenic.

Literature cited by the submitters: PubMed 16601880 (cited by Labcorp Genetics (formerly Invitae), Labcorp).